The following is an entry in ClinVar:

ClinVar aggregate classification (germline): Pathogenic/Likely pathogenic. Review status: criteria provided, multiple submitters, no conflicts (2 of 4 stars). 4 submissions from 4 submitters: Pathogenic (2); Likely pathogenic (2). Last evaluated 2026-01-13.

Conditions:
Cardiovascular phenotype. Identifiers: MedGen CN230736.
Dilated cardiomyopathy 1G (CMD1G). Identifiers: Orphanet 154, MedGen C1858763, MONDO:0011400, OMIM 604145.
Autosomal recessive limb-girdle muscular dystrophy type 2J (LGMDR10). Also called: Limb-girdle muscular dystrophy, type 2J; MUSCULAR DYSTROPHY, LIMB-GIRDLE, AUTOSOMAL RECESSIVE 10. Identifiers: Orphanet 140922, MedGen C1837342, MONDO:0012127, OMIM 608807.
Primary dilated cardiomyopathy (DCM). Also called: Dilated Cardiomyopathy. Identifiers: Orphanet 217604, MedGen C0007193, MeSH D002311, MONDO:0005021, HP:0001644. Inheritance: Various modes of inheritance.

Submissions (4):

Labcorp Genetics (formerly Invitae), Labcorp
Classification: Likely pathogenic for Dilated cardiomyopathy 1G; Autosomal recessive limb-girdle muscular dystrophy type 2J. Last evaluated: 2026-01-13. Review status: criteria provided, single submitter. Criteria: Invitae Variant Classification Sherloc (09022015). Collection method: clinical testing. Allele origin: germline.
Comment: This sequence change creates a premature translational stop signal (p.Phe31299Leufs*14) in the TTN gene. While this is not anticipated to result in nonsense mediated decay, it is expected to create a truncated TTN protein. This variant is not present in population databases (gnomAD no frequency). This premature translational stop signal has been observed in individual(s) with clinical features of dilated cardiomyopathy (PMID: 24503780). This variant is also known as c.86193del (p.Phe28731LeufsX14). ClinVar contains an entry for this variant (Variation ID: 47535). This variant is located in the A band of TTN (PMID: 25589632). Truncating variants in this region are significantly overrepresented in patients affected with dilated cardiomyopathy (PMID: 25589632). Truncating variants in this region have also been reported in individuals affected with autosomal recessive centronuclear myopathy (PMID: 23975875). In summary, the currently available evidence indicates that the variant is pathogenic, but additional data are needed to prove that conclusively. Therefore, this variant has been classified as Likely Pathogenic.

Ambry Genetics
Classification: Pathogenic for Cardiovascular phenotype. Last evaluated: 2022-05-03. Review status: criteria provided, single submitter. Criteria: Ambry Variant Classification Scheme 2023. Collection method: clinical testing. Allele origin: germline.
Comment: The c.66702delT pathogenic mutation, located in coding exon 166 of the TTN gene, results from a deletion of one nucleotide at nucleotide position 66702, causing a translational frameshift with a predicted alternate stop codon (p.F22234Lfs*14). This exon is located in the A-band region of the N2-B isoform of the titin protein and is constitutively expressed in TTN transcripts (percent spliced in or PSI 100%). This variant (referred to as c.93897del, p.Phe31299LeufsX14) has been detected in a dilated cardiomyopathy cohort (Pugh TJ et al. Genet Med, 2014 Aug;16:601-8; Walsh R et al. Genet Med, 2017 02;19:192-203). This variant is considered to be rare based on population cohorts in the Genome Aggregation Database (gnomAD). This alteration is expected to result in loss of function by premature protein truncation or nonsense-mediated mRNA decay. While truncating variants in TTN are present in 1-3% of the general population, truncating variants in the A-band are the most common cause of dilated cardiomyopathy (DCM) (Herman DS et al. N. Engl. J. Med., 2012 Feb;366:619-28; Roberts AM et al. Sci Transl Med, 2015 Jan;7:270ra6). TTN truncating variants encoded in constitutive exons (PSI >90%) have been found to be significantly associated with DCM regardless of their position in titin (Schafer S et al. Nat. Genet., 2017 01;49:46-53). Based on the supporting evidence, this alteration is interpreted as a disease-causing mutation.

Laboratory for Molecular Medicine, Mass General Brigham Personalized Medicine
Classification: Likely pathogenic for Primary dilated cardiomyopathy. Last evaluated: 2014-08-25. Review status: criteria provided, single submitter. Criteria: LMM Criteria. Collection method: clinical testing. Allele origin: germline. Inheritance: Autosomal dominant inheritance. Observed: 2 variant alleles.
Comment: proposed classification - variant undergoing re-assessment, contact laboratory

GeneDx
Classification: Pathogenic. Last evaluated: 2014-05-08. Review status: criteria provided, single submitter. Criteria: GeneDx Variant Classification (06012015). Collection method: clinical testing. Allele origin: germline. Affected: yes.
Comment: c.88974delT: p.Phe29658LeufsX14 (F29658LfsX14) in exon 289 of the TTN gene (NM_001256850.1). The normal sequence with the bases that are deleted in braces is: CATT{T}AGCG. Truncating mutations in the TTN gene are expected to account for approximately 25% of familial and 18% of sporadic idiopathic dilated cardiomyopathy (DCM) (Herman D et al., 2012). However, truncating variants in the TTN gene have been reported in approximately 3% of reported control alleles (Herman D et al., 2012). TTN mutations may also be associated with congenital cardiac and skeletal myopathies, hereditary myopathy with early respiratory failure, tibial muscular dystrophy, and limb-girdle muscular dystrophy (Lange S et al., 2005; Hackman P et al., 2002; Carmignac V et al., 2007; Hackman P et al., 2008). Although the c.88974delT mutation in the TTN gene has not been reported to our knowledge, this mutation causes a shift in reading frame starting at codon Phenylalanine 29658, changing it to a Leucine, and creating a premature stop codon at position 14 of the new reading frame, denoted p.Phe29658LeufsX14. This mutation is expected to result in either an abnormal, truncated protein product or loss of protein from this allele through nonsense-mediated mRNA decay. Other truncating TTN variants have been reported in approximately 3% of control alleles (Herman et al., 2012). However, c.88974delT is located in the A-band region of titin, where the majority of truncating mutations associated with DCM have been reported (Herman et al., 2012). In summary, c.88974delT in the TTN gene is interpreted as a disease-causing mutation. The variant is found in CARDIOMYOPATHY panel(s).

Literature cited by the submitters: PubMed 24503780 (cited by Labcorp Genetics (formerly Invitae), Labcorp and Ambry Genetics); PubMed 25589632 (cited by Labcorp Genetics (formerly Invitae), Labcorp); PubMed 23975875 (cited by Labcorp Genetics (formerly Invitae), Labcorp); PubMed 27532257 (cited by Ambry Genetics).

NM_001267550.2(TTN):c.93897del (p.Phe31299fs)

Genes: TTN (titin; minus strand), TTN-AS1 (TTN antisense RNA 1; plus strand). Cytogenetic location: 2q31.2.
Variant type: Deletion.
Coding change: c.93897del on transcript NM_001267550.2 (MANE Select); coding-DNA position 93897, one base deleted (T; older notation c.93897delT).
Protein change: p.Phe31299fs; shifts the reading frame from phenylalanine 31299.
Molecular consequence: frameshift variant.
Genome position (GRCh38, 1-based): chr2:178,547,729, A deleted on the plus strand (T on the coding strand, the reverse complement: TTN is on the minus strand); the first of 3 consecutive A bases (chr2:178,547,729-178,547,731); deleting any one gives the same sequence. VCF-style (leftmost placement, unchanged base first): chr2-178547728-TA-T. GRCh37 (hg19) VCF-style: chr2-179412455-TA-T.
Other names: c.86193delT (NM_133378.4); c.88974delT (NM_001256850.1); c.66702delT (NM_003319.4); c.88974del, p.Phe29658fs (NM_001256850.1); c.66702del, p.Phe22234fs (NM_003319.4); c.86193del, p.Phe28731fs (NM_133378.4); c.67077del, p.Phe22359fs (NM_133432.3); c.67278del, p.Phe22426fs (NM_133437.4); short protein forms F22234fs, F29658fs, F31299fs, F22359fs, F22426fs, F28731fs.
Identifiers: ClinVar variation 47535 (VCV000047535.15), dbSNP rs397517758, ClinGen allele CA261917.